The following is an entry in ClinVar:

NM_006514.4(SCN10A):c.2070C>A (p.Ser690Arg)

Gene: SCN10A (sodium voltage-gated channel alpha subunit 10; minus strand). Cytogenetic location: 3p22.2.
Variant type: single nucleotide variant.
Coding change: c.2070C>A on transcript NM_006514.4 (MANE Select); coding-DNA position 2070, C replaced by A.
Protein change: p.Ser690Arg; replaces serine 690 with arginine.
Molecular consequence: missense variant.
Genome position (GRCh38, 1-based): chr3:38,742,327, G>T on the plus strand (C>A on the coding strand, the complement: SCN10A is on the minus strand). VCF-style: chr3-38742327-G-T. GRCh37 (hg19) VCF-style: chr3-38783818-G-T.
Other names: c.2070C>A, p.Ser690Arg (NM_001293306.2); c.1776C>A, p.Ser592Arg (NM_001293307.2); short protein forms S592R, S690R.
Identifiers: ClinVar variation 4742174 (VCV004742174.1).

ClinVar aggregate classification (germline): Uncertain significance (1 of 4 stars; one submission).

Conditions:
Brugada syndrome. Also called: Sudden unexpected nocturnal death syndrome; Sudden unexplained nocturnal death syndrome; Sudden Unexplained Death Syndrome; Sudden Unexplained Nocturnal Death Syndrome (SUNDS). Identifiers: Orphanet 130, MedGen C1142166, MONDO:0015263.

gnomAD v4.1: 3 of 1,614,034 alleles (0.00019%); highest among the groups gnomAD compares: Non-Finnish European, 0.00025%; no homozygotes.

Submission:

Labcorp Genetics (formerly Invitae), Labcorp
Classification: Uncertain significance for Brugada syndrome. Last evaluated: 2025-06-11. Review status: criteria provided, single submitter. Criteria: Invitae Variant Classification Sherloc (09022015). Collection method: clinical testing. Allele origin: germline.
Comment: This sequence change replaces serine, which is neutral and polar, with arginine, which is basic and polar, at codon 690 of the SCN10A protein (p.Ser690Arg). This variant is not present in population databases (gnomAD no frequency). This variant has not been reported in the literature in individuals affected with SCN10A-related conditions. Invitae Evidence Modeling of protein sequence and biophysical properties (such as structural, functional, and spatial information, amino acid conservation, physicochemical variation, residue mobility, and thermodynamic stability) indicates that this missense variant is not expected to disrupt SCN10A protein function with a negative predictive value of 80%. In summary, the available evidence is currently insufficient to determine the role of this variant in disease. Therefore, it has been classified as a Variant of Uncertain Significance.